The following is an entry in ClinVar:

ClinVar aggregate classification (germline): Uncertain significance (1 of 4 stars; one submission).

Submission:

Labcorp Genetics (formerly Invitae), Labcorp
Classification: Uncertain significance. Last evaluated: 2024-12-31. Review status: criteria provided, single submitter. Criteria: Invitae Variant Classification Sherloc (09022015). Collection method: clinical testing. Allele origin: germline.
Comment: This sequence change falls in intron 39 of the MPDZ gene. It does not directly change the encoded amino acid sequence of the MPDZ protein. This variant is not present in population databases (gnomAD no frequency). This variant has not been reported in the literature in individuals affected with MPDZ-related conditions. Algorithms developed to predict the effect of sequence changes on RNA splicing suggest that this variant may disrupt the consensus splice site. In summary, the available evidence is currently insufficient to determine the role of this variant in disease. Therefore, it has been classified as a Variant of Uncertain Significance.

NM_001378778.1(MPDZ):c.5467-13_5467-11del

Gene: MPDZ (multiple PDZ domain crumbs cell polarity complex component; minus strand). Cytogenetic location: 9p23.
Variant type: Microsatellite.
Coding change: c.5467-13_5467-11del on transcript NM_001378778.1 (MANE Select); 13 bases into the intron before coding-DNA position 5467 through 11 bases into the intron before coding-DNA position 5467, 3 bases deleted (TGT; older notation c.5467-13_5467-11delTGT).
Molecular consequence: intron variant.
Genome position (GRCh38, 1-based): chr9:13,114,032-13,114,034, ACA deleted on the plus strand (TGT on the coding strand, the reverse complement: MPDZ is on the minus strand); deleting any 3 consecutive bases within chr9:13,114,032-13,114,038 gives the same sequence; the c. name uses the placement nearest the transcript's 3' end. VCF-style (leftmost placement, unchanged base first): chr9-13114031-TACA-T. GRCh37 (hg19) VCF-style: chr9-13114030-TACA-T.
Other names: c.5281-13_5281-11del (NM_001261407.2, NM_001375419.1); c.5368-13_5368-11del (NM_001261406.2, NM_001375417.1, NM_001375416.1 and 1 more transcripts); c.5380-13_5380-11del (NM_003829.5); c.5566-13_5566-11del (NM_001375413.1); c.5257-13_5257-11del (NM_001375422.1, NM_001375421.1, NM_001375420.1 and 2 more transcripts); c.5170-13_5170-11del (NM_001375425.1, NM_001375426.1); c.5467-13_5467-11del (NM_001330637.2); c.5059-13_5059-11del (NM_001375427.1).
Identifiers: ClinVar variation 3676233 (VCV003676233.2).